The following is an entry in ClinVar:

NM_000020.3(ACVRL1):c.649T>G (p.Trp217Gly)

Gene: ACVRL1 (activin A receptor like type 1; plus strand). Cytogenetic location: 12q13.13.
Variant type: single nucleotide variant.
Coding change: c.649T>G on transcript NM_000020.3 (MANE Select); coding-DNA position 649, T replaced by G.
Protein change: p.Trp217Gly; replaces tryptophan 217 with glycine.
Molecular consequence: missense variant.
Genome position (GRCh38, 1-based): chr12:51,914,462, T>G. VCF-style: chr12-51914462-T-G. GRCh37 (hg19) VCF-style: chr12-52308246-T-G.
Other names: c.649T>G, p.Trp217Gly (NM_001077401.2, NM_001406487.1, NM_001406488.1 and 1 more transcripts); c.337T>G, p.Trp113Gly (NM_001406490.1, NM_001406491.1, NM_001406492.1 and 2 more transcripts); c.85T>G, p.Trp29Gly (NM_001406495.1); short protein forms W113G, W217G, W29G.
Identifiers: ClinVar variation 1753890 (VCV001753890.5), dbSNP rs2540162558, ClinGen allele CA384899994.

ClinVar aggregate classification (germline): Pathogenic/Likely pathogenic. Review status: criteria provided, multiple submitters, no conflicts (2 of 4 stars). 2 submissions from 2 submitters: Pathogenic (1); Likely pathogenic (1). Last evaluated 2024-06-25.

Conditions:
Telangiectasia, hereditary hemorrhagic, type 2 (HHT2). Also called: ACVRL1-Related Hereditary Hemorrhagic Telangiectasia; Telangiectasia, hereditary hemorrhagic, type II. Identifiers: Orphanet 774, MedGen C1838163, MONDO:0010880, OMIM 600376. Disease mechanism: loss of function.
Cardiovascular phenotype. Identifiers: MedGen CN230736.

Submissions (2):

Ambry Genetics
Classification: Likely pathogenic for Cardiovascular phenotype. Last evaluated: 2024-06-25. Review status: criteria provided, single submitter. Criteria: Ambry Variant Classification Scheme 2023. Collection method: clinical testing. Allele origin: germline.
Comment: The p.W217G variant (also known as c.649T>G), located in coding exon 5 of the ACVRL1 gene, results from a T to G substitution at nucleotide position 649. The tryptophan at codon 217 is replaced by glycine, an amino acid with highly dissimilar properties. This variant has been observed in at least one individual with a personal and/or family history that is consistent with hereditary hemorrhagic telangiectasia (HHT) (Ambry internal data; Richards-Yutz J et al. Hum Genet, 2010 Jul;128:61-77). This amino acid position is highly conserved in available vertebrate species. In addition, this alteration is predicted to be deleterious by in silico analysis. This variant is considered to be rare based on population cohorts in the Genome Aggregation Database (gnomAD). Based on the majority of available evidence to date, this variant is likely to be pathogenic.

Labcorp Genetics (formerly Invitae), Labcorp
Classification: Pathogenic for Telangiectasia, hereditary hemorrhagic, type 2. Last evaluated: 2024-03-16. Review status: criteria provided, single submitter. Criteria: Invitae Variant Classification Sherloc (09022015). Collection method: clinical testing. Allele origin: germline.
Comment: This sequence change replaces tryptophan, which is neutral and slightly polar, with glycine, which is neutral and non-polar, at codon 217 of the ACVRL1 protein (p.Trp217Gly). This variant is not present in population databases (gnomAD no frequency). This missense change has been observed in individual(s) with clinical features of hereditary hemorrhagic telangiectasia (PMID: 20414677; Invitae). ClinVar contains an entry for this variant (Variation ID: 1753890). Advanced modeling of protein sequence and biophysical properties (such as structural, functional, and spatial information, amino acid conservation, physicochemical variation, residue mobility, and thermodynamic stability) performed at Invitae indicates that this missense variant is expected to disrupt ACVRL1 protein function with a positive predictive value of 95%. For these reasons, this variant has been classified as Pathogenic.

Literature cited by the submitters: PubMed 20414677 (cited by Ambry Genetics and Labcorp Genetics (formerly Invitae), Labcorp).